The following is an entry in ClinVar:

ClinVar aggregate classification (germline): Uncertain significance. Review status: criteria provided, multiple submitters, no conflicts (2 of 4 stars). 2 submissions from 2 submitters: Uncertain significance (2). Last evaluated 2024-11-05.

Conditions:
Inborn genetic diseases. Identifiers: MedGen C0950123, MeSH D030342.

Allele frequency attached by ClinVar (database versions not stated): ExAC 0.00001; ESP Exome Variant Server 0.00008; gnomAD 0.00009.
gnomAD v4.1: 19 of 1,612,602 alleles (0.0012%); highest among the groups gnomAD compares: African/African-American, 0.023%; no homozygotes.

Submissions (2):

Labcorp Genetics (formerly Invitae), Labcorp
Classification: Uncertain significance. Last evaluated: 2024-11-05. Review status: criteria provided, single submitter. Criteria: Invitae Variant Classification Sherloc (09022015). Collection method: clinical testing. Allele origin: germline.
Comment: This sequence change replaces asparagine, which is neutral and polar, with lysine, which is basic and polar, at codon 230 of the TYR protein (p.Asn230Lys). This variant is present in population databases (rs150207593, gnomAD 0.02%). This variant has not been reported in the literature in individuals affected with TYR-related conditions. ClinVar contains an entry for this variant (Variation ID: 1432627). Invitae Evidence Modeling of protein sequence and biophysical properties (such as structural, functional, and spatial information, amino acid conservation, physicochemical variation, residue mobility, and thermodynamic stability) has been performed for this missense variant. However, the output from this modeling did not meet the statistical confidence thresholds required to predict the impact of this variant on TYR protein function. In summary, the available evidence is currently insufficient to determine the role of this variant in disease. Therefore, it has been classified as a Variant of Uncertain Significance.

Ambry Genetics
Classification: Uncertain significance for Inborn genetic diseases. Last evaluated: 2024-06-11. Review status: criteria provided, single submitter. Criteria: Ambry Variant Classification Scheme 2023. Collection method: clinical testing. Allele origin: germline.

NM_000372.5(TYR):c.690C>A (p.Asn230Lys)

Gene: TYR (tyrosinase; plus strand). Cytogenetic location: 11q14.3.
Variant type: single nucleotide variant.
Coding change: c.690C>A on transcript NM_000372.5 (MANE Select); coding-DNA position 690, C replaced by A.
Protein change: p.Asn230Lys; replaces asparagine 230 with lysine.
Molecular consequence: missense variant.
Genome position (GRCh38, 1-based): chr11:89,178,643, C>A. VCF-style: chr11-89178643-C-A. GRCh37 (hg19) VCF-style: chr11-88911811-C-A.
Other names: c.690C>A (NM_000372.4); short protein forms N230K.
Identifiers: ClinVar variation 1432627 (VCV001432627.8), dbSNP rs150207593, ClinGen allele CA6221170.